The following is an entry in ClinVar:

NM_024656.4(COLGALT1):c.1406G>T (p.Arg469Leu)

Gene: COLGALT1 (collagen beta(1-O)galactosyltransferase 1; plus strand). Cytogenetic location: 19p13.11.
Variant type: single nucleotide variant.
Coding change: c.1406G>T on transcript NM_024656.4 (MANE Select); coding-DNA position 1406, G replaced by T.
Protein change: p.Arg469Leu; replaces arginine 469 with leucine.
Molecular consequence: missense variant.
Genome position (GRCh38, 1-based): chr19:17,580,710, G>T. VCF-style: chr19-17580710-G-T. GRCh37 (hg19) VCF-style: chr19-17691519-G-T.
Other names: short protein forms R469L.
Identifiers: ClinVar variation 4082837 (VCV004082837.1).

ClinVar aggregate classification (germline): Uncertain significance (1 of 4 stars; one submission).

Submission:

GeneDx
Classification: Uncertain significance. Last evaluated: 2025-03-06. Review status: criteria provided, single submitter. Criteria: GeneDx Variant Classification Process June 2021. Collection method: clinical testing. Allele origin: germline. Affected: yes.
Comment: Not observed at significant frequency in large population cohorts (gnomAD); In silico analysis supports that this missense variant has a deleterious effect on protein structure/function; Has not been previously published as pathogenic or benign to our knowledge; This variant is associated with the following publications: (PMID: 35409030)